The following is an entry in ClinVar:

ClinVar aggregate classification (germline): Benign. Review status: criteria provided, multiple submitters, no conflicts (2 of 4 stars). 4 submissions from 4 submitters: Benign (4). Last evaluated 2026-08-01.

Allele frequency attached by ClinVar (database versions not stated): gnomAD 0.00398; 1000 Genomes Project 30x 0.00406; 1000 Genomes Project 0.00419; TOPMed 0.00491; ESP Exome Variant Server 0.00547.
gnomAD v4.1: 9,830 of 1,613,822 alleles (0.61%); highest among the groups gnomAD compares: Middle Eastern, 1.8%; 59 homozygotes.

Submissions (4):

CeGaT Center for Human Genetics Tuebingen
Classification: Benign. Last evaluated: 2026-08-01. Review status: criteria provided, single submitter. Criteria: CeGaT Center For Human Genetics Tuebingen Variant Classification Criteria Version 2. Collection method: clinical testing. Allele origin: germline. Affected: yes. Observed: 5 variant alleles.
Comment: C2CD3: BP4, BP7, BS1, BS2

Labcorp Genetics (formerly Invitae), Labcorp
Classification: Benign. Last evaluated: 2026-02-01. Review status: criteria provided, single submitter. Criteria: Invitae Variant Classification Sherloc (09022015). Collection method: clinical testing. Allele origin: germline.

Mayo Clinic Laboratories, Mayo Clinic
Classification: Benign. Last evaluated: 2025-08-20. Review status: criteria provided, single submitter. Criteria: ACMG Guidelines, 2015. Collection method: clinical testing. Allele origin: germline. Observed: 1 variant allele.
Comment: BA1, BS2, BP4, BP7

Breakthrough Genomics
Classification: Benign. Review status: criteria provided, single submitter. Criteria: ACMG Guidelines, 2015. Collection method: not provided. Allele origin: germline. Inheritance: Autosomal recessive inheritance. Affected: yes.

NM_001286577.2(C2CD3):c.1113G>A (p.Arg371=)

Gene: C2CD3 (C2 domain containing 3 centriole elongation regulator; minus strand). Cytogenetic location: 11q13.4.
Variant type: single nucleotide variant.
Coding change: c.1113G>A on transcript NM_001286577.2 (MANE Select); coding-DNA position 1113, G replaced by A.
Protein change: p.Arg371=; no amino-acid change (arginine 371 retained).
Molecular consequence: synonymous variant.
Genome position (GRCh38, 1-based): chr11:74,132,948, C>T on the plus strand (G>A on the coding strand, the complement: C2CD3 is on the minus strand). VCF-style: chr11-74132948-C-T. GRCh37 (hg19) VCF-style: chr11-73843993-C-T.
Other names: p.Arg371=; c.1113G>A, p.Arg371= (NM_015531.6); c.1113G>A (NM_001286577.1).
Identifiers: ClinVar variation 718560 (VCV000718560.35), dbSNP rs61741635, ClinGen allele CA6183044.